The following is an entry in ClinVar:

ClinVar aggregate classification (germline): Uncertain significance (1 of 4 stars; one submission).

Conditions:
Inborn genetic diseases. Identifiers: MedGen C0950123, MeSH D030342.

Submission:

Ambry Genetics
Classification: Uncertain significance for Inborn genetic diseases. Last evaluated: 2025-05-31. Review status: criteria provided, single submitter. Criteria: Ambry Variant Classification Scheme 2023. Collection method: clinical testing. Allele origin: germline.
Comment: The p.S41R variant (also known as c.123C>G), located in coding exon 1 of the SBDS gene, results from a C to G substitution at nucleotide position 123. The serine at codon 41 is replaced by arginine, an amino acid with dissimilar properties. This amino acid position is conserved. In addition, this alteration is predicted to be deleterious by in silico analysis. Based on the available evidence, the clinical significance of this variant remains unclear.

NM_016038.4(SBDS):c.123C>G (p.Ser41Arg)

Gene: SBDS (SBDS ribosome maturation factor; minus strand). Cytogenetic location: 7q11.21.
Variant type: single nucleotide variant.
Coding change: c.123C>G on transcript NM_016038.4 (MANE Select); coding-DNA position 123, C replaced by G.
Protein change: p.Ser41Arg; replaces serine 41 with arginine.
Molecular consequence: missense variant.
Genome position (GRCh38, 1-based): chr7:66,995,295, G>C on the plus strand (C>G on the coding strand, the complement: SBDS is on the minus strand). VCF-style: chr7-66995295-G-C. GRCh37 (hg19) VCF-style: chr7-66460282-G-C.
Other names: short protein forms S41R.
Identifiers: ClinVar variation 3950334 (VCV003950334.1).
Genomic context (GRCh38, chr7:66,995,295, plus strand): 5'-CCTCGGAGGTGACGGCTCAGGCCCAGGCCCAGGCCCGAGGGAGGGGGCTACTCACACGCC[G>C]CTCCGCCAGCCGACGACCTTGTTTTTGTAGCAGGCGATTTCGAAGCGCTTCCCGGCACGC-3'
Protein context (NP_057122.2, residues 31-51): CYKNKVVGWR[Ser41Arg]GVEKDLDEVL